The following is an entry in ClinVar:

NM_007348.4(ATF6):c.1434-14A>G

Gene: ATF6 (activating transcription factor 6; plus strand). Cytogenetic location: 1q23.3.
Variant type: single nucleotide variant.
Coding change: c.1434-14A>G on transcript NM_007348.4 (MANE Select); 14 bases into the intron before coding-DNA position 1434, A replaced by G.
Molecular consequence: intron variant.
Genome position (GRCh38, 1-based): chr1:161,853,210, A>G. VCF-style: chr1-161853210-A-G. GRCh37 (hg19) VCF-style: chr1-161823000-A-G.
Identifiers: ClinVar variation 1460717 (VCV001460717.8), dbSNP rs1407399222, ClinGen allele CA2573131233.

ClinVar aggregate classification (germline): Uncertain significance (1 of 4 stars; one submission).

Submission:

Labcorp Genetics (formerly Invitae), Labcorp
Classification: Uncertain significance. Last evaluated: 2021-06-07. Review status: criteria provided, single submitter. Criteria: Invitae Variant Classification Sherloc (09022015). Collection method: clinical testing. Allele origin: germline.
Comment: In summary, the available evidence is currently insufficient to determine the role of this variant in disease. Therefore, it has been classified as a Variant of Uncertain Significance. Algorithms developed to predict the effect of sequence changes on RNA splicing suggest that this variant may create or strengthen a splice site, but this prediction has not been confirmed by published transcriptional studies. This variant has not been reported in the literature in individuals with ATF6-related conditions. This variant is not present in population databases (ExAC no frequency). This sequence change falls in intron 11 of the ATF6 gene. It does not directly change the encoded amino acid sequence of the ATF6 protein.